The following is an entry in ClinVar:

NM_177438.3(DICER1):c.2576G>T (p.Arg859Leu)

Gene: DICER1 (dicer 1, ribonuclease III; minus strand). Cytogenetic location: 14q32.13.
Variant type: single nucleotide variant.
Coding change: c.2576G>T on transcript NM_177438.3 (MANE Select); coding-DNA position 2576, G replaced by T.
Protein change: p.Arg859Leu; replaces arginine 859 with leucine.
Molecular consequence: missense variant. On other transcripts: non-coding transcript variant (6).
Genome position (GRCh38, 1-based): chr14:95,107,954, C>A on the plus strand (G>T on the coding strand, the complement: DICER1 is on the minus strand). VCF-style: chr14-95107954-C-A. GRCh37 (hg19) VCF-style: chr14-95574291-C-A.
Other names: c.2576G>T, p.Arg859Leu (NM_001195573.1, NM_001271282.3, NM_001291628.2 and 12 more transcripts); c.2294G>T, p.Arg765Leu (NM_001395686.1); c.2171G>T, p.Arg724Leu (NM_001395687.1, NM_001395688.1, NM_001395689.1 and 2 more transcripts); c.2009G>T, p.Arg670Leu (NM_001395691.1); c.893G>T, p.Arg298Leu (NM_001395697.1); short protein forms R765L, R724L, R298L, R670L, R859L.
Identifiers: ClinVar variation 3840042 (VCV003840042.1).
Genomic context (GRCh38, chr14:95,107,954, plus strand): 5'-AGAACACAGTATGCTGAATCAGCGTCTGTAGGTTTAAATTCTAGTGCAGGTTTTTCAAGC[C>A]GAAGAATATGTGAGAATATATACTGGTGAAGTCTTGTAATCAACTCAAGCATTTGTAGAG-3'
Protein context (NP_803187.1, residues 849-869): LHQYIFSHIL[Arg859Leu]LEKPALEFKP

ClinVar aggregate classification (germline): Uncertain significance (1 of 4 stars; one submission).

Conditions:
Hereditary cancer-predisposing syndrome. Also called: Hereditary neoplastic syndrome; Neoplastic Syndromes, Hereditary; Tumor predisposition; Hereditary Cancer Syndrome. Identifiers: Orphanet 140162, MedGen C0027672, MeSH D009386, MONDO:0015356.

Submission:

Ambry Genetics
Classification: Uncertain significance for Hereditary cancer-predisposing syndrome. Last evaluated: 2025-02-21. Review status: criteria provided, single submitter. Criteria: Ambry Variant Classification Scheme 2023. Collection method: clinical testing. Allele origin: germline.
Comment: The p.R859L variant (also known as c.2576G>T), located in coding exon 15 of the DICER1 gene, results from a G to T substitution at nucleotide position 2576. The arginine at codon 859 is replaced by leucine, an amino acid with dissimilar properties. This amino acid position is conserved. In addition, this alteration is predicted to be deleterious by in silico analysis. Based on the available evidence, the clinical significance of this variant remains unclear.